The following is an entry in ClinVar:

NM_001364905.1(LRBA):c.6848A>T (p.Asp2283Val)

Gene: LRBA (LPS responsive beige-like anchor protein; minus strand). Cytogenetic location: 4q31.3.
Variant type: single nucleotide variant.
Coding change: c.6848A>T on transcript NM_001364905.1 (MANE Select); coding-DNA position 6848, A replaced by T.
Protein change: p.Asp2283Val; replaces aspartic acid 2283 with valine.
Molecular consequence: missense variant.
Genome position (GRCh38, 1-based): chr4:150,436,797, T>A on the plus strand (A>T on the coding strand, the complement: LRBA is on the minus strand). VCF-style: chr4-150436797-T-A. GRCh37 (hg19) VCF-style: chr4-151357949-T-A.
Other names: c.6848A>T, p.Asp2283Val (NM_001199282.3, NM_001367550.1); c.6881A>T, p.Asp2294Val (NM_006726.5); short protein forms D2283V, D2294V.
Identifiers: ClinVar variation 950031 (VCV000950031.41), dbSNP rs147096866, ClinGen allele CA3101797.

ClinVar aggregate classification (germline): Uncertain significance. Review status: criteria provided, multiple submitters, no conflicts (2 of 4 stars). 4 submissions from 4 submitters: Uncertain significance (3). 1 of the submissions does not count toward it. Last evaluated 2024-06-28.

Conditions:
Combined immunodeficiency due to LRBA deficiency. Also called: Common variable immunodeficiency 8, with autoimmunity. Identifiers: Orphanet 445018, MedGen C3553512, MONDO:0013863, OMIM 614700.

Allele frequency attached by ClinVar (database versions not stated): ExAC 0.00010; gnomAD 0.00011 and 0.00012; TOPMed 0.00011; gnomAD exomes 0.00012 and 0.00016; ESP Exome Variant Server 0.00023.
gnomAD v4.1: 251 of 1,613,616 alleles (0.016%); highest among the groups gnomAD compares: Non-Finnish European, 0.019%; no homozygotes.

Submissions (4):

Blueprint Genetics
Classification: Uncertain significance. Last evaluated: 2024-06-28. Review status: criteria provided, single submitter. Criteria: ACMG Guidelines, 2015. Collection method: clinical testing. Allele origin: germline.

Labcorp Genetics (formerly Invitae), Labcorp
Classification: Uncertain significance for Combined immunodeficiency due to LRBA deficiency. Last evaluated: 2022-06-20. Review status: criteria provided, single submitter. Criteria: Invitae Variant Classification Sherloc (09022015). Collection method: clinical testing. Allele origin: germline.
Comment: This sequence change replaces aspartic acid, which is acidic and polar, with valine, which is neutral and non-polar, at codon 2294 of the LRBA protein (p.Asp2294Val). This variant is present in population databases (rs147096866, gnomAD 0.04%). This missense change has been observed in individual(s) with idiopathic posterior uveitis (PMID: 32707200). ClinVar contains an entry for this variant (Variation ID: 950031). Algorithms developed to predict the effect of missense changes on protein structure and function are either unavailable or do not agree on the potential impact of this missense change (SIFT: "Tolerated"; PolyPhen-2: "Possibly Damaging"; Align-GVGD: "Class C0"). In summary, the available evidence is currently insufficient to determine the role of this variant in disease. Therefore, it has been classified as a Variant of Uncertain Significance.

CeGaT Center for Human Genetics Tuebingen
Classification: Uncertain significance. Last evaluated: 2022-02-01. Review status: criteria provided, single submitter. Criteria: CeGaT Center For Human Genetics Tuebingen Variant Classification Criteria Version 2. Collection method: clinical testing. Allele origin: germline. Affected: yes. Observed: 1 variant allele.

Genetic Services Laboratory, University of Chicago
Classification: Uncertain significance. Last evaluated: 2022-07-15. Review status: no assertion criteria provided. Collection method: clinical testing. Allele origin: germline. Affected: no. Not counted in ClinVar's aggregate classification.
Comment: DNA sequence analysis of the LRBA gene demonstrated a sequence change, c.6881A>T, in exon 46 that results in an amino acid change, p.Asp2294Val. This sequence change does not appear to have been previously described in individuals with LRBA-related disorders. Whole exome sequencing identified this sequence change in an individual with idiopathic uveitis of the posterior segment (PMID: 32707200). This sequence change has been described in the gnomAD database with a frequency of 0.02% in the European subpopulation (dbSNP rs147096866). The p.Asp2294Val change affects a moderately conserved amino acid residue located in a domain of the LRBA protein that is known to be functional. In-silico pathogenicity prediction tools (SIFT, PolyPhen2, Align GVGD, REVEL) provide contradictory results for the p.Asp2294Val substitution. Due to insufficient evidences and the lack of functional studies, the clinical significance of the p.Asp2294Val change remains unknown at this time.

Literature cited by the submitters: PubMed 32707200 (cited by Labcorp Genetics (formerly Invitae), Labcorp).